The following is an entry in ClinVar:

ClinVar aggregate classification (germline): Likely benign (1 of 4 stars; one submission).

Allele frequency attached by ClinVar (database versions not stated): gnomAD exomes below 0.00001.
gnomAD v4.1: 1 of 1,575,402 alleles (0.000063%); highest among the groups gnomAD compares: South Asian, 0.0012%; no homozygotes.

Submission:

Biesecker Lab/Clinical Genomics Section, National Institutes of Health
Classification: Likely benign. Last evaluated: 2013-06-24. Review status: criteria provided, single submitter. Criteria: Ng et al. (Circ Cardiovasc Genet. 2013). Collection method: research. Allele origin: unknown. Observed: 1 variant allele. Study: ClinSeq.
Comment: The study set was not selected for affection status in relation to any cancer. Pathogenicity categories were based on literature curation. See Pubmed ID:23861362 for details.

Medical sequencing

NM_001267550.2(TTN):c.69820G>A (p.Gly23274Ser)

Genes: TTN (titin; minus strand), TTN-AS1 (TTN antisense RNA 1; plus strand), LOC126806422 (BRD4-independent group 4 enhancer GRCh37_chr2:179440205-179441404; plus strand). Cytogenetic location: 2q31.2.
Variant type: single nucleotide variant.
Coding change: c.69820G>A on transcript NM_001267550.2 (MANE Select); coding-DNA position 69820, G replaced by A.
Protein change: p.Gly23274Ser; replaces glycine 23274 with serine.
Molecular consequence: missense variant.
Genome position (GRCh38, 1-based): chr2:178,576,312, C>T on the plus strand (G>A on the coding strand, the complement: TTN is on the minus strand). VCF-style: chr2-178576312-C-T. GRCh37 (hg19) VCF-style: chr2-179441039-C-T.
Other names: c.64897G>A, p.Gly21633Ser (NM_001256850.1); c.42625G>A, p.Gly14209Ser (NM_003319.4); c.62116G>A, p.Gly20706Ser (NM_133378.4); c.43000G>A, p.Gly14334Ser (NM_133432.3); c.43201G>A, p.Gly14401Ser (NM_133437.4); short protein forms G20706S, G23274S, G14401S, G21633S, G14334S, G14209S.
Identifiers: ClinVar variation 192160 (VCV000192160.1), dbSNP rs786205331, ClinGen allele CA238486.